The following is an entry in ClinVar:

NM_018418.5(SPATA7):c.191-14C>A

Gene: SPATA7 (spermatogenesis associated 7; plus strand). Cytogenetic location: 14q31.3.
Variant type: single nucleotide variant.
Coding change: c.191-14C>A on transcript NM_018418.5 (MANE Select); 14 bases into the intron before coding-DNA position 191, C replaced by A.
Molecular consequence: intron variant.
Genome position (GRCh38, 1-based): chr14:88,396,142, C>A. VCF-style: chr14-88396142-C-A. GRCh37 (hg19) VCF-style: chr14-88862486-C-A.
Other names: c.95-14C>A (NM_001040428.4).
Identifiers: ClinVar variation 314776 (VCV000314776.15), dbSNP rs60770744, ClinGen allele CA7298420.

ClinVar aggregate classification (germline): Benign. Review status: criteria provided, multiple submitters, no conflicts (2 of 4 stars). 4 submissions from 3 submitters: Benign (4). Last evaluated 2026-02-04.

Conditions:
Retinitis pigmentosa (RP). Identifiers: Orphanet 791, MedGen C0035334, MeSH D012174, MONDO:0019200, OMIM 268000. Inheritance: Autosomal dominant, autosomal recessive and X linked inheritance.
Leber congenital amaurosis 3 (LCA3). Also called: SPATA7-Related Retinitis Pigmentosa. Identifiers: MedGen C1858677, MONDO:0011415, OMIM 604232.

Allele frequency attached by ClinVar (database versions not stated): ExAC 0.01369; gnomAD 0.03598; TOPMed 0.04187; 1000 Genomes Project 0.04253; ESP Exome Variant Server 0.04315; 1000 Genomes Project 30x 0.04466.
gnomAD v4.1: 11,470 of 1,599,440 alleles (0.72%); highest among the groups gnomAD compares: African/African-American, 12%; 583 homozygotes.

Submissions (22):

Labcorp Genetics (formerly Invitae), Labcorp
Classification: Benign for Leber congenital amaurosis 3. Last evaluated: 2026-02-04. Review status: criteria provided, single submitter. Criteria: Invitae Variant Classification Sherloc (09022015). Collection method: clinical testing. Allele origin: germline.

Illumina Laboratory Services, Illumina
Classification: Benign for Retinitis pigmentosa. Last evaluated: 2018-01-12. Review status: criteria provided, single submitter. Criteria: ICSL Variant Classification Criteria 13 December 2019. Collection method: clinical testing. Allele origin: germline.
Comment: This variant was observed in the ICSL laboratory as part of a predisposition screen in an ostensibly healthy population. It had not been previously curated by ICSL or reported in the Human Gene Mutation Database (HGMD: prior to June 1st, 2018), and was therefore a candidate for classification through an automated scoring system. Utilizing variant allele frequency, disease prevalence and penetrance estimates, and inheritance mode, an automated score was calculated to assess if this variant is too frequent to cause the disease. Based on the score and internal cut-off values, a variant classified as benign is not then subjected to further curation. The score for this variant resulted in a classification of benign for this disease.

Illumina Laboratory Services, Illumina
Classification: Benign for Leber congenital amaurosis 3. Last evaluated: 2018-01-12. Review status: criteria provided, single submitter. Criteria: ICSL Variant Classification Criteria 13 December 2019. Collection method: clinical testing. Allele origin: germline.
Comment: the same text as in the submission from Illumina Laboratory Services, Illumina above.

Breakthrough Genomics
Classification: Benign. Review status: criteria provided, single submitter. Criteria: ACMG Guidelines, 2015. Collection method: not provided. Allele origin: germline. Inheritance: Autosomal recessive inheritance. Affected: yes.

Dr. Peter K. Rogan Lab, Western University
No classification provided (evidence only). Condition: Lung cancer. Review status: no classification provided. Collection method: in vitro. Allele origin: not applicable. Functional consequence: retained intron. Not counted in ClinVar's aggregate classification.

Dr. Peter K. Rogan Lab, Western University
No classification provided (evidence only). Condition: Acute myeloid leukemia. Review status: no classification provided. Collection method: in vitro. Allele origin: not applicable. Functional consequence: retained intron. Not counted in ClinVar's aggregate classification.

Dr. Peter K. Rogan Lab, Western University
No classification provided (evidence only). Condition: Acute myeloid leukemia. Review status: no classification provided. Collection method: in vitro. Allele origin: not applicable. Functional consequence: retained intron. Not counted in ClinVar's aggregate classification.

Dr. Peter K. Rogan Lab, Western University
No classification provided (evidence only). Condition: Uterine corpus endometrial carcinoma. Review status: no classification provided. Collection method: in vitro. Allele origin: not applicable. Functional consequence: retained intron. Not counted in ClinVar's aggregate classification.

Dr. Peter K. Rogan Lab, Western University
No classification provided (evidence only). Condition: Uterine corpus endometrial carcinoma. Review status: no classification provided. Collection method: in vitro. Allele origin: not applicable. Functional consequence: retained intron. Not counted in ClinVar's aggregate classification.

Dr. Peter K. Rogan Lab, Western University
No classification provided (evidence only). Condition: Cervical cancer. Review status: no classification provided. Collection method: in vitro. Allele origin: not applicable. Functional consequence: retained intron. Not counted in ClinVar's aggregate classification.

Dr. Peter K. Rogan Lab, Western University
No classification provided (evidence only). Condition: Cervical cancer. Review status: no classification provided. Collection method: in vitro. Allele origin: not applicable. Functional consequence: retained intron. Not counted in ClinVar's aggregate classification.

Dr. Peter K. Rogan Lab, Western University
No classification provided (evidence only). Condition: Cervical cancer. Review status: no classification provided. Collection method: in vitro. Allele origin: not applicable. Functional consequence: retained intron. Not counted in ClinVar's aggregate classification.

Dr. Peter K. Rogan Lab, Western University
No classification provided (evidence only). Condition: Sarcoma. Review status: no classification provided. Collection method: in vitro. Allele origin: not applicable. Functional consequence: retained intron. Not counted in ClinVar's aggregate classification.

Dr. Peter K. Rogan Lab, Western University
No classification provided (evidence only). Condition: Sarcoma. Review status: no classification provided. Collection method: in vitro. Allele origin: not applicable. Functional consequence: retained intron. Not counted in ClinVar's aggregate classification.

Dr. Peter K. Rogan Lab, Western University
No classification provided (evidence only). Condition: Sarcoma. Review status: no classification provided. Collection method: in vitro. Allele origin: not applicable. Functional consequence: retained intron. Not counted in ClinVar's aggregate classification.

Dr. Peter K. Rogan Lab, Western University
No classification provided (evidence only). Condition: Thymoma. Review status: no classification provided. Collection method: in vitro. Allele origin: not applicable. Functional consequence: retained intron. Not counted in ClinVar's aggregate classification.

Dr. Peter K. Rogan Lab, Western University
No classification provided (evidence only). Condition: Gastric cancer. Review status: no classification provided. Collection method: in vitro. Allele origin: not applicable. Functional consequence: retained intron. Not counted in ClinVar's aggregate classification.

Dr. Peter K. Rogan Lab, Western University
No classification provided (evidence only). Condition: Gastric cancer. Review status: no classification provided. Collection method: in vitro. Allele origin: not applicable. Functional consequence: retained intron. Not counted in ClinVar's aggregate classification.

Dr. Peter K. Rogan Lab, Western University
No classification provided (evidence only). Condition: Gastric cancer. Review status: no classification provided. Collection method: in vitro. Allele origin: not applicable. Functional consequence: retained intron. Not counted in ClinVar's aggregate classification.

Dr. Peter K. Rogan Lab, Western University
No classification provided (evidence only). Condition: Gastric cancer. Review status: no classification provided. Collection method: in vitro. Allele origin: not applicable. Functional consequence: retained intron. Not counted in ClinVar's aggregate classification.

Dr. Peter K. Rogan Lab, Western University
No classification provided (evidence only). Condition: Malignant tumor of esophagus. Review status: no classification provided. Collection method: in vitro. Allele origin: not applicable. Functional consequence: skipped exon. Not counted in ClinVar's aggregate classification.

Dr. Peter K. Rogan Lab, Western University
No classification provided (evidence only). Condition: Malignant tumor of esophagus. Review status: no classification provided. Collection method: in vitro. Allele origin: not applicable. Functional consequence: retained intron. Not counted in ClinVar's aggregate classification.